The following is an entry in ClinVar:

NM_000038.6(APC):c.1744-20C>T

Gene: APC (APC regulator of Wnt signaling pathway; plus strand). Cytogenetic location: 5q22.2.
Variant type: single nucleotide variant.
Coding change: c.1744-20C>T on transcript NM_000038.6 (MANE Select); 20 bases into the intron before coding-DNA position 1744, C replaced by T.
Molecular consequence: intron variant.
Genome position (GRCh38, 1-based): chr5:112,834,931, C>T. VCF-style: chr5-112834931-C-T. GRCh37 (hg19) VCF-style: chr5-112170628-C-T.
Other names: c.1744-20C>T (NM_001354895.2, NM_001127510.3); c.1774-20C>T (NM_001354897.2); c.1471-20C>T (NM_001354902.2); c.1690-20C>T (NM_001127511.3); c.1669-20C>T (NM_001354898.2); c.1366-20C>T (NM_001354904.2); c.895-20C>T (NM_001354906.2); c.1798-20C>T (NM_001354896.2); and 5 more.
Identifiers: ClinVar variation 490223 (VCV000490223.13), dbSNP rs1554083085, ClinGen allele CA658683417.

ClinVar aggregate classification (germline): Likely benign. Review status: criteria provided, multiple submitters, no conflicts (2 of 4 stars). 4 submissions from 4 submitters: Likely benign (4). Last evaluated 2025-12-02.

Conditions:
Hereditary cancer-predisposing syndrome. Also called: Tumor predisposition; Hereditary Cancer Syndrome; Neoplastic Syndromes, Hereditary; Hereditary neoplastic syndrome. Identifiers: Orphanet 140162, MedGen C0027672, MeSH D009386, MONDO:0015356.
Familial adenomatous polyposis 1 (FAP1). Also called: POLYPOSIS, ADENOMATOUS INTESTINAL; FAMILIAL ADENOMATOUS POLYPOSIS 1, ATTENUATED. Identifiers: MedGen C2713442, MONDO:0021056, OMIM 175100. Disease mechanism: loss of function.

gnomAD v4.1: 9 of 1,601,384 alleles (0.00056%); highest among the groups gnomAD compares: African/African-American, 0.0013%; no homozygotes.

Submissions (4):

Labcorp Genetics (formerly Invitae), Labcorp
Classification: Likely benign for Familial adenomatous polyposis 1. Last evaluated: 2025-12-02. Review status: criteria provided, single submitter. Criteria: Invitae Variant Classification Sherloc (09022015). Collection method: clinical testing. Allele origin: germline.

Myriad Genetics, Inc.
Classification: Likely benign for Familial adenomatous polyposis 1. Last evaluated: 2024-03-06. Review status: criteria provided, single submitter. Criteria: Myriad Autosomal Dominant, Autosomal Recessive and X-Linked Classification Criteria (2023). Collection method: clinical testing. Allele origin: unknown.
Comment: This variant is considered likely benign. This variant is intronic and is not expected to impact mRNA splicing.

Blueprint Genetics
Classification: Likely benign. Last evaluated: 2021-03-18. Review status: criteria provided, single submitter. Criteria: ACMG Guidelines, 2015. Collection method: clinical testing. Allele origin: germline.

Color Diagnostics, LLC DBA Color Health
Classification: Likely benign for Hereditary cancer-predisposing syndrome. Last evaluated: 2016-08-01. Review status: criteria provided, single submitter. Criteria: ACMG Guidelines, 2015. Collection method: clinical testing. Allele origin: germline.